The following is an entry in ClinVar:

ClinVar aggregate classification (germline): Uncertain significance (1 of 4 stars; one submission).

Allele frequency attached by ClinVar (database versions not stated): gnomAD exomes below 0.00001.
gnomAD v4.1: 2 of 1,336,672 alleles (0.00015%); highest among the groups gnomAD compares: Non-Finnish European, 0.00019%; no homozygotes.

Submission:

Labcorp Genetics (formerly Invitae), Labcorp
Classification: Uncertain significance. Last evaluated: 2023-04-27. Review status: criteria provided, single submitter. Criteria: Invitae Variant Classification Sherloc (09022015). Collection method: clinical testing. Allele origin: germline.
Comment: In summary, the available evidence is currently insufficient to determine the role of this variant in disease. Therefore, it has been classified as a Variant of Uncertain Significance. An algorithm developed to predict the effect of missense changes on protein structure and function (PolyPhen-2) suggests that this variant is likely to be disruptive. This variant has not been reported in the literature in individuals affected with IRF2BP2-related conditions. This variant is not present in population databases (gnomAD no frequency). This sequence change replaces lysine, which is basic and polar, with glutamic acid, which is acidic and polar, at codon 164 of the IRF2BP2 protein (p.Lys164Glu).

NM_182972.3(IRF2BP2):c.490A>G (p.Lys164Glu)

Genes: IRF2BP2 (interferon regulatory factor 2 binding protein 2; minus strand), LOC129932812 (ATAC-STARR-seq lymphoblastoid silent region 1977; plus strand). Cytogenetic location: 1q42.3.
Variant type: single nucleotide variant.
Coding change: c.490A>G on transcript NM_182972.3 (MANE Select); coding-DNA position 490, A replaced by G.
Protein change: p.Lys164Glu; replaces lysine 164 with glutamic acid.
Molecular consequence: missense variant.
Genome position (GRCh38, 1-based): chr1:234,609,005, T>C on the plus strand (A>G on the coding strand, the complement: IRF2BP2 is on the minus strand). VCF-style: chr1-234609005-T-C. GRCh37 (hg19) VCF-style: chr1-234744751-T-C.
Other names: c.490A>G, p.Lys164Glu (NM_001077397.1); short protein forms K164E.
Identifiers: ClinVar variation 2859847 (VCV002859847.3), dbSNP rs2528521633, ClinGen allele CA345310111.